The following is an entry in ClinVar:

NM_005677.4(COLQ):c.1281C>T (p.Cys427=)

Gene: COLQ (collagen like tail subunit of asymmetric acetylcholinesterase; minus strand). Cytogenetic location: 3p25.1.
Variant type: single nucleotide variant.
Coding change: c.1281C>T on transcript NM_005677.4 (MANE Select); coding-DNA position 1281, C replaced by T.
Protein change: p.Cys427=; no amino-acid change (cysteine 427 retained).
Molecular consequence: synonymous variant.
Genome position (GRCh38, 1-based): chr3:15,453,846, G>A on the plus strand (C>T on the coding strand, the complement: COLQ is on the minus strand). VCF-style: chr3-15453846-G-A. GRCh37 (hg19) VCF-style: chr3-15495353-G-A.
Other names: c.1251C>T, p.Cys417= (NM_080538.2); c.1179C>T, p.Cys393= (NM_080539.4).
Identifiers: ClinVar variation 536241 (VCV000536241.13), dbSNP rs185829251, ClinGen allele CA2275812.

ClinVar aggregate classification (germline): Pathogenic/Likely pathogenic. Review status: criteria provided, multiple submitters, no conflicts (2 of 4 stars). 4 submissions from 4 submitters: Pathogenic (1); Likely pathogenic (3). Last evaluated 2025-04-13.

Conditions:
Synaptic congenital myasthenic syndromes. Identifiers: Orphanet 98915, MedGen C5681640.
Congenital myasthenic syndrome 5. Identifiers: Orphanet 590, MedGen C1864233, MONDO:0011281, OMIM 603034.

Allele frequency attached by ClinVar (database versions not stated): ExAC 0.00001; gnomAD 0.00001; gnomAD exomes 0.00001; 1000 Genomes Project 30x 0.00031; 1000 Genomes Project 0.00040.

Submissions (4):

Labcorp Genetics (formerly Invitae), Labcorp
Classification: Pathogenic for Congenital myasthenic syndrome 5. Last evaluated: 2025-04-13. Review status: criteria provided, single submitter. Criteria: Invitae Variant Classification Sherloc (09022015). Collection method: clinical testing. Allele origin: germline.
Comment: This sequence change affects codon 427 of the COLQ mRNA. It is a 'silent' change, meaning that it does not change the encoded amino acid sequence of the COLQ protein. This variant is not present in population databases (gnomAD no frequency). This variant has been observed in individual(s) with congenital myasthenic syndrome (PMID: 22088788; internal data). In at least one individual the data is consistent with being in trans (on the opposite chromosome) from a pathogenic variant. ClinVar contains an entry for this variant (Variation ID: 536241). Algorithms developed to predict the effect of sequence changes on RNA splicing suggest that this variant may disrupt the consensus splice site. For these reasons, this variant has been classified as Pathogenic.

Baylor Genetics
Classification: Likely pathogenic for Congenital myasthenic syndrome 5. Last evaluated: 2024-02-23. Review status: criteria provided, single submitter. Criteria: ACMG Guidelines, 2015. Collection method: clinical testing. Allele origin: unknown.

Neuromuscular Department, Shariati Hospital, Tehran University of Medical Sciences
Classification: Likely pathogenic for Synaptic congenital myasthenic syndromes. Last evaluated: 2023-01-01. Review status: criteria provided, single submitter. Criteria: ACMG Guidelines, 2015. Collection method: clinical testing. Allele origin: germline. Affected: yes. Observed: 1 variant allele.

Kariminejad - Najmabadi Pathology & Genetics Center
Classification: Likely pathogenic for Congenital myasthenic syndrome 5. Last evaluated: 2021-10-06. Review status: criteria provided, single submitter. Criteria: ACMG Guidelines, 2015. Collection method: clinical testing. Allele origin: germline. Inheritance: Autosomal recessive inheritance. Affected: yes.
Comment: PS3, PP5, PP4

Literature cited by the submitters: PubMed 22088788 (cited by Labcorp Genetics (formerly Invitae), Labcorp).